The following is an entry in ClinVar:

ClinVar aggregate classification (germline): Uncertain significance (1 of 4 stars; one submission).

Conditions:
Jeune thoracic dystrophy. Also called: Jeune syndrome; Infantile thoracic dystrophy; Thoracic pelvic phalangeal dystrophy; Jeune's syndrome; Chondroectodermal dysplasia-like syndrome; Short-rib thoracic dysplasia. Identifiers: Orphanet 474, MedGen C0265275, MONDO:0018770.
Nephronophthisis. Also called: Juvenile Nephronophthisis. Identifiers: Orphanet 655, MedGen C0687120, MONDO:0019005, HP:0000090.

Allele frequency attached by ClinVar (database versions not stated): gnomAD exomes below 0.00001; TOPMed below 0.00001.
gnomAD v4.1: 4 of 1,599,208 alleles (0.00025%); highest among the groups gnomAD compares: Non-Finnish European, 0.00034%; no homozygotes.

Submission:

Labcorp Genetics (formerly Invitae), Labcorp
Classification: Uncertain significance for Jeune thoracic dystrophy; Nephronophthisis. Last evaluated: 2022-04-12. Review status: criteria provided, single submitter. Criteria: Invitae Variant Classification Sherloc (09022015). Collection method: clinical testing. Allele origin: germline.
Comment: In summary, the available evidence is currently insufficient to determine the role of this variant in disease. Therefore, it has been classified as a Variant of Uncertain Significance. Variants that disrupt the consensus splice site are a relatively common cause of aberrant splicing (PMID: 17576681, 9536098). Algorithms developed to predict the effect of sequence changes on RNA splicing suggest that this variant is not likely to affect RNA splicing. This variant has not been reported in the literature in individuals affected with TTC21B-related conditions. This variant is not present in population databases (gnomAD no frequency). This sequence change falls in intron 8 of the TTC21B gene. It does not directly change the encoded amino acid sequence of the TTC21B protein. It affects a nucleotide within the consensus splice site.

Literature cited by the submitters: PubMed 17576681; PubMed 9536098.

NM_024753.5(TTC21B):c.895-3T>C

Gene: TTC21B (tetratricopeptide repeat domain 21B; minus strand). Cytogenetic location: 2q24.3.
Variant type: single nucleotide variant.
Coding change: c.895-3T>C on transcript NM_024753.5 (MANE Select); 3 bases into the intron before coding-DNA position 895, T replaced by C.
Molecular consequence: intron variant.
Genome position (GRCh38, 1-based): chr2:165,930,367, A>G on the plus strand (T>C on the coding strand, the complement: TTC21B is on the minus strand). VCF-style: chr2-165930367-A-G. GRCh37 (hg19) VCF-style: chr2-166786877-A-G.
Identifiers: ClinVar variation 1978772 (VCV001978772.4), dbSNP rs984176089, ClinGen allele CA59806159.